The following is an entry in ClinVar:

NM_000548.5(TSC2):c.5155G>A (p.Ala1719Thr)

Gene: TSC2 (TSC complex subunit 2; plus strand). Cytogenetic location: 16p13.3.
Variant type: single nucleotide variant.
Coding change: c.5155G>A on transcript NM_000548.5 (MANE Select); coding-DNA position 5155, G replaced by A.
Protein change: p.Ala1719Thr; replaces alanine 1719 with threonine.
Molecular consequence: missense variant.
Genome position (GRCh38, 1-based): chr16:2,088,134, G>A. VCF-style: chr16-2088134-G-A. GRCh37 (hg19) VCF-style: chr16-2138135-G-A.
Other names: c.4954G>A, p.Ala1652Thr (NM_001077183.3); c.5086G>A, p.Ala1696Thr (NM_001114382.3); c.4846G>A, p.Ala1616Thr (NM_001318827.2); c.4810G>A, p.Ala1604Thr (NM_001318829.2); c.4423G>A, p.Ala1475Thr (NM_001318831.2); c.4987G>A, p.Ala1663Thr (NM_001318832.2); c.4957G>A, p.Ala1653Thr (NM_001363528.2); c.5023G>A, p.Ala1675Thr (NM_001370404.1); and 1 more; short protein forms A1719T, A1604T, A1663T, A1696T, A1475T, A1616T, A1652T, A1653T.
Identifiers: ClinVar variation 65216 (VCV000065216.21), dbSNP rs201206500, ClinGen allele CA021901.

ClinVar aggregate classification (germline): Conflicting classifications of pathogenicity. Review status: criteria provided, conflicting classifications (1 of 4 stars). 7 submissions from 7 submitters: Uncertain significance (4); Likely benign (2). 1 of the submissions does not count toward it. Last evaluated 2026-04-21.

Conditions:
Hereditary cancer-predisposing syndrome. Also called: Neoplastic Syndromes, Hereditary; Hereditary neoplastic syndrome; Tumor predisposition; Hereditary Cancer Syndrome. Identifiers: Orphanet 140162, MedGen C0027672, MeSH D009386, MONDO:0015356.
Tuberous sclerosis syndrome (TSC). Also called: Tuberous sclerosis; Tuberous Sclerosis Complex. Identifiers: Orphanet 805, MedGen C0041341, MONDO:0001734.
Autism spectrum disorder. Also called: Autism spectrum disorders. Identifiers: MedGen C1510586, MeSH D000067877, MONDO:0005258.
Tuberous sclerosis 2 (TSC2). Identifiers: Orphanet 805, MedGen C1860707, MONDO:0013199, OMIM 613254.

Allele frequency attached by ClinVar (database versions not stated): TOPMed below 0.00001; gnomAD 0.00001; ExAC 0.00002; 1000 Genomes Project 30x 0.00016; gnomAD exomes 0.00002; 1000 Genomes Project 0.00020.
gnomAD v4.1: 34 of 1,612,966 alleles (0.0021%); highest among the groups gnomAD compares: African/African-American, 0.004%; no homozygotes.

Submissions (7):

Ambry Genetics
Classification: Uncertain significance for Hereditary cancer-predisposing syndrome. Last evaluated: 2026-04-21. Review status: criteria provided, single submitter. Criteria: Ambry Variant Classification Scheme 2023. Collection method: clinical testing. Allele origin: germline.
Comment: The p.A1719T variant (also known as c.5155G>A), located in coding exon 39 of the TSC2 gene, results from a G to A substitution at nucleotide position 5155. The alanine at codon 1719 is replaced by threonine, an amino acid with similar properties. This variant was detected as heterozygous in individuals with no reported features of tuberous sclerosis complex (Ambry internal data). This amino acid position is highly conserved in available vertebrate species. In addition, this alteration is predicted to be deleterious by in silico analysis. Since supporting evidence is limited at this time, the clinical significance of this alteration remains unclear.

Color Diagnostics, LLC DBA Color Health
Classification: Uncertain significance for Tuberous sclerosis syndrome. Last evaluated: 2025-10-13. Review status: criteria provided, single submitter. Criteria: ACMG Guidelines, 2015. Collection method: clinical testing. Allele origin: germline.
Comment: This missense variant replaces alanine with threonine at codon 1719 of the TSC2 protein. Computational prediction suggests that this variant may have deleterious impact on protein structure and function. To our knowledge, functional studies have not been reported for this variant. This variant has not been reported in individuals affected with TSC2-related disorders in the literature. This variant has been identified in 34/1612966 chromosomes in the general population by the Genome Aggregation Database (gnomAD). The available evidence is insufficient to determine the role of this variant in disease conclusively. Therefore, this variant is classified as a Variant of Uncertain Significance.

Labcorp Genetics (formerly Invitae), Labcorp
Classification: Likely benign for Tuberous sclerosis 2. Last evaluated: 2025-10-03. Review status: criteria provided, single submitter. Criteria: Invitae Variant Classification Sherloc (09022015). Collection method: clinical testing. Allele origin: germline.

All of Us Research Program, National Institutes of Health
Classification: Uncertain significance for Tuberous sclerosis syndrome. Last evaluated: 2023-08-23. Review status: criteria provided, single submitter. Criteria: ACMG Guidelines, 2015. Collection method: clinical testing. Allele origin: germline. Inheritance: Autosomal dominant inheritance. Observed: 1 variant allele, 1 heterozygote.
Comment: This missense variant replaces alanine with threonine at codon 1719 of the TSC2 protein. Computational prediction suggests that this variant may have deleterious impact on protein structure and function (internally defined REVEL score threshold >= 0.7, PMID: 27666373). To our knowledge, functional studies have not been reported for this variant. This variant has not been reported in individuals affected with tuberous sclerosis in the literature, but has been found in unaffected individuals (PMID: 21572417). This variant has been identified in 4/250272 chromosomes in the general population by the Genome Aggregation Database (gnomAD). The available evidence is insufficient to determine the role of this variant in disease conclusively. Therefore, this variant is classified as a Variant of Uncertain Significance.

This study involves interpretation of variants in research participants for the purpose of population health screening. Participant phenotype was not available at the time of variant classification. Additional details can be found in publication PMID: 35346344, PMCID: PMC8962531

GeneDx
Classification: Uncertain significance. Last evaluated: 2023-04-10. Review status: criteria provided, single submitter. Criteria: GeneDx Variant Classification Process June 2021. Collection method: clinical testing. Allele origin: germline. Affected: yes.
Comment: In silico analysis supports that this missense variant has a deleterious effect on protein structure/function; Has not been previously published as pathogenic or benign to our knowledge; This variant is associated with the following publications: (PMID: 21572417, 21819393, 29617669)

Genome-Nilou Lab
Classification: Likely benign for Tuberous sclerosis 2. Last evaluated: 2021-11-07. Review status: criteria provided, single submitter. Criteria: ACMG Guidelines, 2015. Collection method: clinical testing. Allele origin: germline. Affected: no.

Tuberous sclerosis database (TSC2)
No classification provided. Condition: ASD. Review status: no classification provided. Criteria: Tuberous Sclerosis Database Assertion Criteria 2015. Collection method: curation. Allele origin: germline. Affected: yes. Not counted in ClinVar's aggregate classification.

Literature cited by the submitters: PubMed 21572417 (cited by Ambry Genetics and All of Us Research Program, National Institutes of Health).